The following is an entry in ClinVar:

NM_001291303.3(FAT4):c.3818T>C (p.Leu1273Ser)

Gene: FAT4 (FAT atypical cadherin 4; plus strand). Cytogenetic location: 4q28.1.
Variant type: single nucleotide variant.
Coding change: c.3818T>C on transcript NM_001291303.3 (MANE Select); coding-DNA position 3818, T replaced by C.
Protein change: p.Leu1273Ser; replaces leucine 1273 with serine.
Molecular consequence: missense variant.
Genome position (GRCh38, 1-based): chr4:125,320,229, T>C. VCF-style: chr4-125320229-T-C. GRCh37 (hg19) VCF-style: chr4-126241384-T-C.
Other names: c.3818T>C, p.Leu1273Ser (NM_001291285.3, NM_024582.6); short protein forms L1273S.
Identifiers: ClinVar variation 1488211 (VCV001488211.8), dbSNP rs2125943983, ClinGen allele CA358124803.

ClinVar aggregate classification (germline): Uncertain significance (1 of 4 stars; one submission).

Allele frequency attached by ClinVar (database versions not stated): gnomAD exomes below 0.00001.
gnomAD v4.1: 2 of 1,614,124 alleles (0.00012%); highest among the groups gnomAD compares: South Asian, 0.0011%; no homozygotes.

Submission:

Labcorp Genetics (formerly Invitae), Labcorp
Classification: Uncertain significance. Last evaluated: 2022-09-01. Review status: criteria provided, single submitter. Criteria: Invitae Variant Classification Sherloc (09022015). Collection method: clinical testing. Allele origin: germline.
Comment: In summary, the available evidence is currently insufficient to determine the role of this variant in disease. Therefore, it has been classified as a Variant of Uncertain Significance. Advanced modeling of protein sequence and biophysical properties (such as structural, functional, and spatial information, amino acid conservation, physicochemical variation, residue mobility, and thermodynamic stability) performed at Invitae indicates that this missense variant is expected to disrupt FAT4 protein function. ClinVar contains an entry for this variant (Variation ID: 1488211). This variant has not been reported in the literature in individuals affected with FAT4-related conditions. This variant is not present in population databases (gnomAD no frequency). This sequence change replaces leucine, which is neutral and non-polar, with serine, which is neutral and polar, at codon 1273 of the FAT4 protein (p.Leu1273Ser).